The following is an entry in ClinVar:

ClinVar aggregate classification (germline): Likely benign. Review status: criteria provided, multiple submitters, no conflicts (2 of 4 stars). 2 submissions from 2 submitters: Likely benign (2). Last evaluated 2025-03-31.

Conditions:
Familial cancer of breast. Also called: Hereditary breast cancer; BREAST CANCER, FAMILIAL; hereditary breast carcinoma. Identifiers: Orphanet 227535, MedGen C0346153, MONDO:0016419, OMIM 114480. Disease mechanism: loss of function.
Ataxia-telangiectasia syndrome (AT). Also called: Ataxia-telangiectasia, complementation group D; AT, COMPLEMENTATION GROUP C; ATAXIA-TELANGIECTASIA, COMPLEMENTATION GROUP A; ATAXIA-TELANGIECTASIA, FRESNO VARIANT; Ataxia-telangiectasia; LOUIS-BAR SYNDROME. Identifiers: Orphanet 100, MedGen C0004135, MONDO:0008840, OMIM 208900.

Allele frequency attached by ClinVar (database versions not stated): gnomAD exomes below 0.00001.
gnomAD v4.1: 1 of 1,613,420 alleles (0.000062%); highest among the groups gnomAD compares: Admixed American, 0.0017%; no homozygotes.

Submissions (2):

Labcorp Genetics (formerly Invitae), Labcorp
Classification: Likely benign for Ataxia-telangiectasia syndrome. Last evaluated: 2025-03-31. Review status: criteria provided, single submitter. Criteria: Invitae Variant Classification Sherloc (09022015). Collection method: clinical testing. Allele origin: germline.

Myriad Genetics, Inc.
Classification: Likely benign for Familial cancer of breast. Last evaluated: 2024-06-17. Review status: criteria provided, single submitter. Criteria: Myriad Autosomal Dominant, Autosomal Recessive and X-Linked Classification Criteria (2023). Collection method: clinical testing. Allele origin: unknown.
Comment: This variant is considered likely benign. This variant is intronic and is not expected to impact mRNA splicing.

NM_000051.4(ATM):c.7788+9A>G

Genes: ATM (ATM serine/threonine kinase; plus strand), C11orf65 (chromosome 11 open reading frame 65; minus strand). Cytogenetic location: 11q22.3.
Variant type: single nucleotide variant.
Coding change: c.7788+9A>G on transcript NM_000051.4 (MANE Select); 9 bases into the intron after coding-DNA position 7788, A replaced by G.
Molecular consequence: intron variant.
Genome position (GRCh38, 1-based): chr11:108,332,046, A>G. VCF-style: chr11-108332046-A-G. GRCh37 (hg19) VCF-style: chr11-108202773-A-G.
Other names: c.7788+9A>G (NM_001351834.2); c.641-22975T>C (NM_001330368.2); c.*38+3174T>C (NM_001351110.2).
Identifiers: ClinVar variation 765960 (VCV000765960.12), dbSNP rs1182105888, ClinGen allele CA602132823.